The following is an entry in ClinVar:

NM_014225.6(PPP2R1A):c.775G>A (p.Val259Ile)

Gene: PPP2R1A (protein phosphatase 2 scaffold subunit Aalpha; plus strand). Cytogenetic location: 19q13.41.
Variant type: single nucleotide variant.
Coding change: c.775G>A on transcript NM_014225.6 (MANE Select); coding-DNA position 775, G replaced by A.
Protein change: p.Val259Ile; replaces valine 259 with isoleucine.
Molecular consequence: missense variant. On other transcripts: non-coding transcript variant (1).
Genome position (GRCh38, 1-based): chr19:52,213,078, G>A. VCF-style: chr19-52213078-G-A. GRCh37 (hg19) VCF-style: chr19-52716331-G-A.
Other names: c.238G>A, p.Val80Ile (NM_001363656.2); short protein forms V259I, V80I.
Identifiers: ClinVar variation 1032611 (VCV001032611.5), dbSNP rs2089688265, ClinGen allele CA407185426.
Genomic context (GRCh38, chr19:52,213,078, plus strand): 5'-GATCTGGAGGCCCTGGTGATGCCCACTCTGCGCCAGGCCGCTGAAGACAAGTCCTGGCGC[G>A]TCCGCTACATGGTGGCTGACAAGTTCACAGAGGTAGATGAGCGACCGTTGACATTGTCCC-3'
Protein context (NP_055040.2, residues 249-269): RQAAEDKSWR[Val259Ile]RYMVADKFTE

ClinVar aggregate classification (germline): Conflicting classifications of pathogenicity. Review status: criteria provided, conflicting classifications (1 of 4 stars). 2 submissions from 2 submitters: Likely pathogenic (1); Uncertain significance (1). Last evaluated 2025-09-29.

Conditions:
Houge-Janssens syndrome 2. Also called: PPP2R1A-Related Neurodevelopmental Disorder; Microcephaly-corpus callosum hypoplasia-intellectual disability-facial dysmorphism syndrome; INTELLECTUAL DEVELOPMENTAL DISORDER, AUTOSOMAL DOMINANT 36. Identifiers: Orphanet 457284, MedGen C4225352, MONDO:0014605, OMIM 616362.

Allele frequency attached by ClinVar (database versions not stated): gnomAD exomes below 0.00001.
gnomAD v4.1: 1 of 1,595,252 alleles (0.000063%); highest among the groups gnomAD compares: Non-Finnish European, 0.000085%; no homozygotes.

Submissions (2):

Clinical Genetics Laboratory, Region Ostergotland
Classification: Likely pathogenic for Houge-Janssens syndrome 2. Last evaluated: 2025-09-29. Review status: criteria provided, single submitter. Criteria: ACMG Guidelines, 2015. Collection method: clinical testing. Allele origin: de novo. Affected: yes.
Comment: The variant is not found in population database (no frequency gnomAD v4.1.0 (non-UKB)) and is located in a functional domain (PMID:26168268, PMID:33106617). The variant is known to ClinVar (1032611) and has been described in the de novo state in one proband (PMID:36307859). The following ACMG/AMP criteria were applied in classifying this variant: PM2, PM1, PS2_moderate

Baylor Genetics
Classification: Uncertain significance for Houge-Janssens syndrome 2. Last evaluated: 2023-05-17. Review status: criteria provided, single submitter. Criteria: ACMG Guidelines, 2015. Collection method: clinical testing. Allele origin: unknown.

Literature cited by the submitters: PubMed 36307859 (cited by Clinical Genetics Laboratory, Region Ostergotland); PubMed 26168268 (cited by Clinical Genetics Laboratory, Region Ostergotland); PubMed 33106617 (cited by Clinical Genetics Laboratory, Region Ostergotland).